The following is an entry in ClinVar:

NM_004153.4(ORC1):c.1819A>G (p.Thr607Ala)

Gene: ORC1 (origin recognition complex subunit 1; minus strand). Cytogenetic location: 1p32.3.
Variant type: single nucleotide variant.
Coding change: c.1819A>G on transcript NM_004153.4 (MANE Select); coding-DNA position 1819, A replaced by G.
Protein change: p.Thr607Ala; replaces threonine 607 with alanine.
Molecular consequence: missense variant.
Genome position (GRCh38, 1-based): chr1:52,383,874, T>C on the plus strand (A>G on the coding strand, the complement: ORC1 is on the minus strand). VCF-style: chr1-52383874-T-C. GRCh37 (hg19) VCF-style: chr1-52849546-T-C.
Other names: c.1819A>G, p.Thr607Ala (NM_001190818.2); c.1804A>G, p.Thr602Ala (NM_001190819.2); short protein forms T607A, T602A.
Identifiers: ClinVar variation 297580 (VCV000297580.21), dbSNP rs139027440, ClinGen allele CA853202.

ClinVar aggregate classification (germline): Conflicting classifications of pathogenicity. Review status: criteria provided, conflicting classifications (1 of 4 stars). 6 submissions from 6 submitters: Uncertain significance (2); Benign (1); Likely benign (2). 1 of the submissions does not count toward it. Last evaluated 2026-02-01.

Conditions:
ORC1-related disorder. Also called: ORC1-related condition.
Meier-Gorlin syndrome 1 (MGORS1). Also called: EAR, PATELLA, SHORT STATURE SYNDROME. Identifiers: Orphanet 2554, MedGen C4552001, MONDO:0009143, OMIM 224690.
Inborn genetic diseases. Identifiers: MedGen C0950123, MeSH D030342.

Allele frequency attached by ClinVar (database versions not stated): 1000 Genomes Project 0.00060; 1000 Genomes Project 30x 0.00062; gnomAD 0.00130 and 0.00138; TOPMed 0.00131; ExAC 0.00138; gnomAD exomes 0.00142 and 0.00224; ESP Exome Variant Server 0.00169.
gnomAD v4.1: 3,493 of 1,614,194 alleles (0.22%); highest among the groups gnomAD compares: Non-Finnish European, 0.26%; 5 homozygotes.

Submissions (6):

Labcorp Genetics (formerly Invitae), Labcorp
Classification: Benign. Last evaluated: 2026-02-01. Review status: criteria provided, single submitter. Criteria: Invitae Variant Classification Sherloc (09022015). Collection method: clinical testing. Allele origin: germline.

Blueprint Genetics
Classification: Likely benign. Last evaluated: 2024-11-25. Review status: criteria provided, single submitter. Criteria: ACMG Guidelines, 2015. Collection method: clinical testing. Allele origin: germline.

Ambry Genetics
Classification: Uncertain significance for Inborn genetic diseases. Last evaluated: 2024-08-01. Review status: criteria provided, single submitter. Criteria: Ambry Variant Classification Scheme 2023. Collection method: clinical testing. Allele origin: germline.

Genetic Services Laboratory, University of Chicago
Classification: Likely benign. Last evaluated: 2021-11-16. Review status: criteria provided, single submitter. Criteria: ACMG Guidelines, 2015. Collection method: clinical testing. Allele origin: germline. Affected: no.

Illumina Laboratory Services, Illumina
Classification: Uncertain significance for Meier-Gorlin syndrome 1. Last evaluated: 2018-01-12. Review status: criteria provided, single submitter. Criteria: ICSL Variant Classification Criteria 13 December 2019. Collection method: clinical testing. Allele origin: germline.

PreventionGenetics, part of Exact Sciences
Classification: Likely benign for ORC1-related condition. Last evaluated: 2022-02-22. Review status: no assertion criteria provided. Collection method: clinical testing. Allele origin: germline. Not counted in ClinVar's aggregate classification.
Comment: This variant is classified as likely benign based on ACMG/AMP sequence variant interpretation guidelines (Richards et al. 2015 PMID: 25741868, with internal and published modifications).